The following is an entry in ClinVar:

ClinVar aggregate classification (germline): Likely pathogenic. Review status: criteria provided, multiple submitters, no conflicts (2 of 4 stars). 2 submissions from 2 submitters: Likely pathogenic (2). Last evaluated 2026-04-16.

Conditions:
Ichthyosis and erythrokeratoderma.
Primary immunodeficiency or monogenic inflammatory bowel disease.

Submissions (2):

Genetics Laboratory, Great Ormond Street Hospital NHS Foundation Trust, North Thames Genomic Laboratory Hub
Classification: Likely pathogenic for Ichthyosis and erythrokeratoderma. Last evaluated: 2026-04-16. Review status: criteria provided, single submitter. Criteria: ACGS Best Practice Guidelines for Variant Classification in Rare Disease 2024 v1.2. Collection method: clinical testing. Allele origin: germline. Affected: yes.
Comment: PM2_moderate, PM5_supporting, PM4_moderate, PM3_supporting

North West Genomic Laboratory Hub, Manchester University NHS Foundation Trust
Classification: Likely pathogenic for Primary immunodeficiency or monogenic inflammatory bowel disease. Last evaluated: 2026-04-14. Review status: criteria provided, single submitter. Criteria: ACGS Best Practice Guidelines for Variant Classification in Rare Disease 2024. Collection method: clinical testing. Allele origin: germline. Affected: yes.
Comment: PM3_Supp PM4_Mod PP4_Supp PM2_Mod

NM_000359.3(TGM1):c.944_952del (p.Arg315_Asp317del)

Gene: TGM1 (transglutaminase 1; minus strand). Cytogenetic location: 14q12.
Variant type: Deletion.
Coding change: c.944_952del on transcript NM_000359.3 (MANE Select); coding-DNA positions 944 to 952, 9 bases deleted (GTGGAGACC; older notation c.944_952delGTGGAGACC).
Protein change: p.Arg315_Asp317del.
Molecular consequence: inframe deletion.
Genome position (GRCh38, 1-based): chr14:24,259,736-24,259,744, GGTCTCCAC deleted on the plus strand (GTGGAGACC on the coding strand, the reverse complement: TGM1 is on the minus strand); deleting any 9 consecutive bases within chr14:24,259,736-24,259,746 gives the same sequence; the c. name uses the placement nearest the transcript's 3' end. VCF-style (leftmost placement, unchanged base first): chr14-24259735-GGGTCTCCAC-G. GRCh37 (hg19) VCF-style: chr14-24728941-GGGTCTCCAC-G.
Identifiers: ClinVar variation 4853815 (VCV004853815.2).
Genomic context (GRCh38, chr14:24,259,735, plus strand): 5'-GTAGGACTCAGAGATGTGAGGGTGCTCACCATGGCAGAGATGACCCGGGAGACATTGACT[GGGTCTCCAC>G]GGCCTCCATATGGCATCCCCCGCCGGTCCAGGATGTATAAGCAGGCATCCAGCACCCCGT-3'